The following is an entry in ClinVar:

ClinVar aggregate classification (germline): Uncertain significance (1 of 4 stars; one submission).

Conditions:
Dyskeratosis congenita. Identifiers: Orphanet 1775, MedGen C0265965, MONDO:0015780.

Submission:

Ambry Genetics
Classification: Uncertain significance for Dyskeratosis congenita. Last evaluated: 2025-02-24. Review status: criteria provided, single submitter. Criteria: Ambry Variant Classification Scheme 2023. Collection method: clinical testing. Allele origin: germline.
Comment: The p.S579C variant (also known as c.1735A>T), located in coding exon 3 of the TERT gene, results from an A to T substitution at nucleotide position 1735. The serine at codon 579 is replaced by cysteine, an amino acid with dissimilar properties. This amino acid position is conserved. In addition, this alteration is predicted to be tolerated by in silico analysis. Based on the available evidence, the clinical significance of this variant remains unclear.

NM_198253.3(TERT):c.1735A>T (p.Ser579Cys)

Gene: TERT (telomerase reverse transcriptase; minus strand). Cytogenetic location: 5p15.33.
Variant type: single nucleotide variant.
Coding change: c.1735A>T on transcript NM_198253.3 (MANE Select); coding-DNA position 1735, A replaced by T.
Protein change: p.Ser579Cys; replaces serine 579 with cysteine.
Molecular consequence: missense variant. On other transcripts: non-coding transcript variant (2).
Genome position (GRCh38, 1-based): chr5:1,282,463, T>A on the plus strand (A>T on the coding strand, the complement: TERT is on the minus strand). VCF-style: chr5-1282463-T-A. GRCh37 (hg19) VCF-style: chr5-1282578-T-A.
Other names: c.1735A>T, p.Ser579Cys (NM_001193376.3); short protein forms S579C.
Identifiers: ClinVar variation 3805740 (VCV003805740.1).